The following is an entry in ClinVar:

ClinVar aggregate classification (germline): Uncertain significance (1 of 4 stars; one submission).

Allele frequency attached by ClinVar (database versions not stated): ExAC 0.00002; gnomAD exomes 0.00002; TOPMed 0.00005; gnomAD 0.00007 and 0.00008.

Submission:

Labcorp Genetics (formerly Invitae), Labcorp
Classification: Uncertain significance. Last evaluated: 2022-10-04. Review status: criteria provided, single submitter. Criteria: Invitae Variant Classification Sherloc (09022015). Collection method: clinical testing. Allele origin: germline.
Comment: This variant has not been reported in the literature in individuals affected with PCARE-related conditions. This variant is present in population databases (rs768690093, gnomAD 0.004%). This sequence change replaces valine, which is neutral and non-polar, with methionine, which is neutral and non-polar, at codon 604 of the PCARE protein (p.Val604Met). ClinVar contains an entry for this variant (Variation ID: 937490). Algorithms developed to predict the effect of missense changes on protein structure and function output the following: SIFT: "Tolerated"; PolyPhen-2: "Benign"; Align-GVGD: "Class C0". The methionine amino acid residue is found in multiple mammalian species, which suggests that this missense change does not adversely affect protein function. In summary, the available evidence is currently insufficient to determine the role of this variant in disease. Therefore, it has been classified as a Variant of Uncertain Significance.

NM_001029883.3(PCARE):c.1810G>A (p.Val604Met)

Gene: PCARE (photoreceptor cilium actin regulator; minus strand). Cytogenetic location: 2p23.2.
Variant type: single nucleotide variant.
Coding change: c.1810G>A on transcript NM_001029883.3 (MANE Select); coding-DNA position 1810, G replaced by A.
Protein change: p.Val604Met; replaces valine 604 with methionine.
Molecular consequence: missense variant.
Genome position (GRCh38, 1-based): chr2:29,072,452, C>T on the plus strand (G>A on the coding strand, the complement: PCARE is on the minus strand). VCF-style: chr2-29072452-C-T. GRCh37 (hg19) VCF-style: chr2-29295318-C-T.
Other names: short protein forms V604M.
Identifiers: ClinVar variation 937490 (VCV000937490.9), dbSNP rs768690093, ClinGen allele CA1592348.
Genomic context (GRCh38, chr2:29,072,452, plus strand): 5'-CCAGCTTCTGACTGAGGTCCCTCTGGACCCTTCGCAGCTCCTGAAAGGTGGGGTCCTCCA[C>T]GTGACTCTGGAGACACGACTCTGACTGGGACCTCGTCTGCCTCTCAGGGGCCCTCCTGCT-3'
Protein context (NP_001025054.1, residues 594-614): SQSESCLQSH[Val604Met]EDPTFQELRR